The following is an entry in ClinVar:

ClinVar aggregate classification (germline): Uncertain significance (1 of 4 stars; one submission).

Conditions:
Alstrom syndrome (ALMS). Identifiers: Orphanet 64, MedGen C0268425, MONDO:0008763, OMIM 203800.

gnomAD v4.1: 1 of 1,613,936 alleles (0.000062%); highest among the groups gnomAD compares: Non-Finnish European, 0.000085%; no homozygotes.

Submission:

Labcorp Genetics (formerly Invitae), Labcorp
Classification: Uncertain significance for Alstrom syndrome. Last evaluated: 2025-05-19. Review status: criteria provided, single submitter. Criteria: Invitae Variant Classification Sherloc (09022015). Collection method: clinical testing. Allele origin: germline.
Comment: This sequence change replaces threonine, which is neutral and polar, with isoleucine, which is neutral and non-polar, at codon 1803 of the ALMS1 protein (p.Thr1803Ile). This variant is not present in population databases (gnomAD no frequency). This variant has not been reported in the literature in individuals affected with ALMS1-related conditions. ClinVar contains an entry for this variant (Variation ID: 3730096). Experimental studies and prediction algorithms are not available or were not evaluated, and the functional significance of this variant is currently unknown. In summary, the available evidence is currently insufficient to determine the role of this variant in disease. Therefore, it has been classified as a Variant of Uncertain Significance.

NM_001378454.1(ALMS1):c.5405C>T (p.Thr1802Ile)

Gene: ALMS1 (ALMS1 centrosome and basal body associated protein; plus strand). Cytogenetic location: 2p13.1.
Variant type: single nucleotide variant.
Coding change: c.5405C>T on transcript NM_001378454.1 (MANE Select); coding-DNA position 5405, C replaced by T.
Protein change: p.Thr1802Ile; replaces threonine 1802 with isoleucine.
Molecular consequence: missense variant.
Genome position (GRCh38, 1-based): chr2:73,451,932, C>T. VCF-style: chr2-73451932-C-T. GRCh37 (hg19) VCF-style: chr2-73679059-C-T.
Other names: c.5408C>T, p.Thr1803Ile (NM_015120.4); short protein forms T1802I, T1803I.
Identifiers: ClinVar variation 3730096 (VCV003730096.2).